The following is an entry in ClinVar:

ClinVar aggregate classification (germline): Pathogenic (1 of 4 stars; one submission).

Submission:

Labcorp Genetics (formerly Invitae), Labcorp
Classification: Pathogenic. Last evaluated: 2023-12-07. Review status: criteria provided, single submitter. Criteria: Invitae Variant Classification Sherloc (09022015). Collection method: clinical testing. Allele origin: germline.
Comment: This sequence change creates a premature translational stop signal (p.Ser149Leufs*19) in the SMOC1 gene. It is expected to result in an absent or disrupted protein product. Loss-of-function variants in SMOC1 are known to be pathogenic (PMID: 21194678). This variant is not present in population databases (gnomAD no frequency). This variant has not been reported in the literature in individuals affected with SMOC1-related conditions. ClinVar contains an entry for this variant (Variation ID: 2033665). For these reasons, this variant has been classified as Pathogenic.

Literature cited by the submitters: PubMed 21194678.

NM_001034852.3(SMOC1):c.445del (p.Ser149fs)

Gene: SMOC1 (SPARC related modular calcium binding 1; plus strand). Cytogenetic location: 14q24.2.
Variant type: Deletion.
Coding change: c.445del on transcript NM_001034852.3 (MANE Select); coding-DNA position 445, one base deleted (T; older notation c.445delT).
Protein change: p.Ser149fs; shifts the reading frame from serine 149.
Molecular consequence: frameshift variant.
Genome position (GRCh38, 1-based): chr14:69,975,781, T deleted. VCF-style (leftmost placement, unchanged base first): chr14-69975780-CT-C. GRCh37 (hg19) VCF-style: chr14-70442497-CT-C.
Other names: c.445del, p.Ser149fs (NM_022137.6); short protein forms S149fs.
Identifiers: ClinVar variation 2033665 (VCV002033665.4), dbSNP rs2503248407, ClinGen allele CA2580088689.